The following is an entry in ClinVar:

NM_001734.5(C1S):c.1652C>T (p.Pro551Leu)

Gene: C1S (complement C1s; plus strand). Cytogenetic location: 12p13.31.
Variant type: single nucleotide variant.
Coding change: c.1652C>T on transcript NM_001734.5 (MANE Select); coding-DNA position 1652, C replaced by T.
Protein change: p.Pro551Leu; replaces proline 551 with leucine.
Molecular consequence: missense variant.
Genome position (GRCh38, 1-based): chr12:7,070,236, C>T. VCF-style: chr12-7070236-C-T. GRCh37 (hg19) VCF-style: chr12-7177540-C-T.
Other names: c.1151C>T, p.Pro384Leu (NM_001346850.2); c.1652C>T, p.Pro551Leu (NM_201442.4); short protein forms P384L, P551L.
Identifiers: ClinVar variation 2795149 (VCV002795149.3), dbSNP rs1555163004, ClinGen allele CA383705842.

ClinVar aggregate classification (germline): Uncertain significance (1 of 4 stars; one submission).

Allele frequency attached by ClinVar (database versions not stated): gnomAD exomes 0.00001.
gnomAD v4.1: 12 of 1,614,116 alleles (0.00074%); highest among the groups gnomAD compares: Non-Finnish European, 0.001%; no homozygotes.

Submission:

Labcorp Genetics (formerly Invitae), Labcorp
Classification: Uncertain significance. Last evaluated: 2023-08-25. Review status: criteria provided, single submitter. Criteria: Invitae Variant Classification Sherloc (09022015). Collection method: clinical testing. Allele origin: germline.
Comment: In summary, the available evidence is currently insufficient to determine the role of this variant in disease. Therefore, it has been classified as a Variant of Uncertain Significance. This sequence change replaces proline, which is neutral and non-polar, with leucine, which is neutral and non-polar, at codon 551 of the C1S protein (p.Pro551Leu). This variant is present in population databases (no rsID available, gnomAD 0.0009%). This variant has not been reported in the literature in individuals affected with C1S-related conditions. Advanced modeling of protein sequence and biophysical properties (such as structural, functional, and spatial information, amino acid conservation, physicochemical variation, residue mobility, and thermodynamic stability) performed at Invitae indicates that this missense variant is expected to disrupt C1S protein function.